The following is an entry in ClinVar:

ClinVar aggregate classification (germline): Likely pathogenic (1 of 4 stars; one submission).

Conditions:
Choroideremia. Also called: Chorioretinal scalloped atrophy. Identifiers: Orphanet 180, MedGen C0008525, MONDO:0010557, OMIM 303100, HP:0001139.

Submission:

Juno Genomics, Hangzhou Juno Genomics, Inc
Classification: Likely pathogenic for Choroideremia. Review status: criteria provided, single submitter. Criteria: ACMG Guidelines, 2015. Collection method: clinical testing. Allele origin: germline.
Comment: Absent from controls (or at extremely low frequency if recessive) in Genome Aggregation Database.;Null variant in a gene where loss of function (LOF) is a known mechanism of disease.

NM_000390.4(CHM):c.495dup (p.Ala166fs)

Genes: CHM (CHM Rab escort protein; minus strand), LOC129391306 (MPRA-validated peak7401 silencer; plus strand). Cytogenetic location: Xq21.2.
Variant type: Duplication.
Coding change: c.495dup on transcript NM_000390.4 (MANE Select); coding-DNA position 495, one base duplicated (T; older notation c.495dupT).
Protein change: p.Ala166fs; shifts the reading frame from alanine 166.
Molecular consequence: frameshift variant.
Genome position (GRCh38, 1-based): chrX:85,963,872, A duplicated on the plus strand (T on the coding strand, the reverse complement: CHM is on the minus strand). VCF-style (leftmost placement, unchanged base first): chrX-85963871-C-CA. GRCh37 (hg19) VCF-style: chrX-85218876-C-CA.
Other names: c.51dup, p.Ala18fs (NM_001320959.1, NM_001362517.1, NM_001362518.2 and 1 more transcripts); short protein forms A166fs, A18fs.
Identifiers: ClinVar variation 4857704 (VCV004857704.2).
Genomic context (GRCh38, chrX:85,963,871, plus strand): 5'-TTTTATCATCACAATGGTTTTCTTTTTCCCCTGTCACTTCAGCACCATTTACTTCTAGCG[C>CA]ATTCTCTGGATCGCTGCTTGGAGTTTGTTCTGTGAGCATTTCACAGCTCATAGTGCTTAA-3'